The following is an entry in ClinVar:

ClinVar aggregate classification (germline): Pathogenic (1 of 4 stars; one submission).

Conditions:
Osteogenesis imperfecta type 7 (OI7). Also called: OSTEOGENESIS IMPERFECTA, TYPE IIB; Osteogenesis imperfecta type 2B; OI type 2B; Osteogenesis imperfecta, perinatal lethal autosomal recessive; OI type IIB; OI type 7. Identifiers: MedGen C1853162, MONDO:0012536, OMIM 610682.

Submission:

Labcorp Genetics (formerly Invitae), Labcorp
Classification: Pathogenic for Osteogenesis imperfecta type 7. Last evaluated: 2023-09-10. Review status: criteria provided, single submitter. Criteria: Invitae Variant Classification Sherloc (09022015). Collection method: clinical testing. Allele origin: germline.
Comment: This variant is not present in population databases (gnomAD no frequency). For these reasons, this variant has been classified as Pathogenic. This variant has not been reported in the literature in individuals affected with CRTAP-related conditions. This sequence change creates a premature translational stop signal (p.Arg136Alafs*38) in the CRTAP gene. It is expected to result in an absent or disrupted protein product. Loss-of-function variants in CRTAP are known to be pathogenic (PMID: 17055431, 19862557, 24715559).

Literature cited by the submitters: PubMed 17055431; PubMed 19862557; PubMed 24715559.

NM_006371.5(CRTAP):c.406del (p.Arg136fs)

Gene: CRTAP (cartilage associated protein; plus strand). Cytogenetic location: 3p22.3.
Variant type: Deletion.
Coding change: c.406del on transcript NM_006371.5 (MANE Select); coding-DNA position 406, one base deleted (C; older notation c.406delC).
Protein change: p.Arg136fs; shifts the reading frame from arginine 136.
Molecular consequence: frameshift variant.
Genome position (GRCh38, 1-based): chr3:33,114,483, C deleted; the last of 2 consecutive C bases (chr3:33,114,482-33,114,483); deleting either gives the same sequence. VCF-style (leftmost placement, unchanged base first): chr3-33114481-GC-G. GRCh37 (hg19) VCF-style: chr3-33155973-GC-G.
Other names: c.406del, p.Arg136fs (NM_001393363.1, NM_001393364.1, NM_001393365.1); short protein forms R136fs.
Identifiers: ClinVar variation 2759682 (VCV002759682.3), dbSNP rs2471562057, ClinGen allele CA2697550755.